The following is an entry in ClinVar:

ClinVar aggregate classification (germline): Uncertain significance (1 of 4 stars; one submission).

Conditions:
Retinoblastoma (RB1). Also called: RETINOBLASTOMA, SOMATIC. Identifiers: Orphanet 790, MedGen C0035335, MeSH D012175, MONDO:0008380, OMIM 180200, HP:0009919. Disease mechanism: loss of function. Inheritance: Both sporadic and heritable forms are tested..

Submission:

All of Us Research Program, National Institutes of Health
Classification: Uncertain significance for Retinoblastoma. Last evaluated: 2023-06-28. Review status: criteria provided, single submitter. Criteria: ACMG Guidelines, 2015. Collection method: clinical testing. Allele origin: germline. Inheritance: Autosomal dominant inheritance. Observed: 1 variant allele, 1 heterozygote.
Comment: This study involves interpretation of variants in research participants for the purpose of population health screening. Participant phenotype was not available at the time of variant classification. Additional details can be found in publication PMID: 35346344, PMCID: PMC8962531

NM_000321.3(RB1):c.159A>C (p.Glu53Asp)

Gene: RB1 (RB transcriptional corepressor 1; plus strand). Cytogenetic location: 13q14.2.
Variant type: single nucleotide variant.
Coding change: c.159A>C on transcript NM_000321.3 (MANE Select); coding-DNA position 159, A replaced by C.
Protein change: p.Glu53Asp; replaces glutamic acid 53 with aspartic acid.
Molecular consequence: missense variant.
Genome position (GRCh38, 1-based): chr13:48,307,301, A>C. VCF-style: chr13-48307301-A-C. GRCh37 (hg19) VCF-style: chr13-48881437-A-C.
Other names: c.159A>C, p.Glu53Asp (NM_001407165.1, NM_001407166.1, NM_001407167.1); short protein forms E53D.
Identifiers: ClinVar variation 3071711 (VCV003071711.1), dbSNP rs745324976, ClinGen allele CA388250467.